The following is an entry in ClinVar:

NM_004984.4(KIF5A):c.611G>A (p.Arg204Gln)

Gene: KIF5A (kinesin family member 5A; plus strand). Cytogenetic location: 12q13.3.
Variant type: single nucleotide variant.
Coding change: c.611G>A on transcript NM_004984.4 (MANE Select); coding-DNA position 611, G replaced by A.
Protein change: p.Arg204Gln; replaces arginine 204 with glutamine.
Molecular consequence: missense variant.
Genome position (GRCh38, 1-based): chr12:57,567,515, G>A. VCF-style: chr12-57567515-G-A. GRCh37 (hg19) VCF-style: chr12-57961298-G-A.
Other names: c.344G>A, p.Arg115Gln (NM_001354705.2); short protein forms R204Q, R115Q.
Identifiers: ClinVar variation 37129 (VCV000037129.32), dbSNP rs387907287, ClinGen allele CA130087.
Genomic context (GRCh38, chr12:57,567,515, plus strand): 5'-CAGGGTGGTGCAGGTCCTGTTTCTCCCTTGCTCCTGCAGACATGAATGAACACAGCTCTC[G>A]GAGCCACAGCATCTTCCTCATCAACATCAAGCAGGAGAACATGGAAACGGAGCAGAAGCT-3'
Protein context (NP_004975.2, residues 194-214): AVTNMNEHSS[Arg204Gln]SHSIFLINIK

ClinVar aggregate classification (germline): Pathogenic/Likely pathogenic. Review status: criteria provided, multiple submitters, no conflicts (2 of 4 stars). 15 submissions from 15 submitters: Pathogenic (8); Likely pathogenic (2). 5 of the submissions do not count toward it. Last evaluated 2025-12-29.

Conditions:
KIF5A-related disorder. Also called: KIF5A-related condition; KIF5A-related disorders.
Spastic paraplegia. Identifiers: MedGen C0037772, HP:0001258.
Myoclonus, intractable, neonatal (NEIMY). Identifiers: MedGen C4310658, MONDO:0014979, OMIM 617235.
Hereditary spastic paraplegia 10 (SPG10). Also called: SPASTIC PARAPLEGIA 10, AUTOSOMAL DOMINANT; SPASTIC PARAPLEGIA 10 WITH OR WITHOUT PERIPHERAL NEUROPATHY; SPASTIC PARAPLEGIA 10 WITH PERIPHERAL NEUROPATHY. Identifiers: Orphanet 100991, MedGen C1858712, MONDO:0011408, OMIM 604187.

Submissions (15):

Labcorp Genetics (formerly Invitae), Labcorp
Classification: Pathogenic for Spastic paraplegia. Last evaluated: 2025-12-29. Review status: criteria provided, single submitter. Criteria: Invitae Variant Classification Sherloc (09022015). Collection method: clinical testing. Allele origin: germline.
Comment: This sequence change replaces arginine, which is basic and polar, with glutamine, which is neutral and polar, at codon 204 of the KIF5A protein (p.Arg204Gln). This variant is not present in population databases (gnomAD no frequency). This missense change has been observed in individuals with hereditary spastic paraplegia type 10 (SPG10) (PMID: 18853458, 21623771, 24731568, 25008398, 26543653). ClinVar contains an entry for this variant (Variation ID: 37129). Invitae Evidence Modeling of protein sequence and biophysical properties (such as structural, functional, and spatial information, amino acid conservation, physicochemical variation, residue mobility, and thermodynamic stability) indicates that this missense variant is expected to disrupt KIF5A protein function with a positive predictive value of 80%. This variant disrupts the p.Arg204 amino acid residue in KIF5A. Other variant(s) that disrupt this residue have been observed in individuals with KIF5A-related conditions (PMID: 18500496, 22552817), which suggests that this may be a clinically significant amino acid residue. For these reasons, this variant has been classified as Pathogenic.

Genetics Department, Catlab
Classification: Pathogenic for Hereditary spastic paraplegia 10. Last evaluated: 2025-12-18. Review status: criteria provided, single submitter. Criteria: ACMG Guidelines, 2015. Collection method: clinical testing. Allele origin: germline. Affected: yes.
Comment: The c.611G>A missense variant in the KIF5A gene is located in the kinesin domain and in a region intolerant to missense variation (PM1_moderate), has been previously identified in multiple patients with spastic paraplegia (PMID: 18853458, 25008398, 26543653) (PS4_strong) and has been shown to segregate with disease in a family with 4 affected members (PMID: 18853458) (PP1_supporting). Functional studies have shown that the variants alters the protein function (PMID: 28678816) (PS3_supporting). Other pathogenic variants have been described affecting the same amino acid (c.611G>T, p.Arg204Leu and c.610C>T, p.Arg204Trp) (PM5_moderate). This change is absent from gnomAD v4.1 (PM2_moderate) and it has an associated REVEL score of 0.92 (PP3_moderate). Finally, the missense z-score of the KIF5A gene is 5.04 (PP2_supporting). With all the available evidence, the variant is classified as pathogenic.

Revvity Omics, Revvity
Classification: Pathogenic. Last evaluated: 2024-11-19. Review status: criteria provided, single submitter. Criteria: ACMG Guidelines, 2015. Collection method: clinical testing. Allele origin: germline.

GeneDx
Classification: Pathogenic. Last evaluated: 2023-12-26. Review status: criteria provided, single submitter. Criteria: GeneDx Variant Classification Process June 2021. Collection method: clinical testing. Allele origin: germline.
Comment: Published functional studies demonstrate a damaging effect on ATPase rate and microtubule affinity, resulting in abnormal microtubule motility (PMID: 28678816); Not observed at significant frequency in large population cohorts (gnomAD); In silico analysis supports that this missense variant has a deleterious effect on protein structure/function; This variant is associated with the following publications: (PMID: 24731568, 26543653, 25008398, 27066564, 21107874, 21623771, 22785106, 32319259, 34983064, 18853458, 28678816)

Blueprint Genetics
Classification: Likely pathogenic for KIF5A-related disorders. Last evaluated: 2023-08-03. Review status: criteria provided, single submitter. Criteria: ACMG Guidelines, 2015. Collection method: clinical testing. Allele origin: germline. Affected: yes. Observed: 3 variant alleles.

Women's Health and Genetics/Laboratory Corporation of America, LabCorp
Classification: Pathogenic for KIF5A-Related Disorders. Last evaluated: 2022-11-09. Review status: criteria provided, single submitter. Criteria: LabCorp Variant Classification Summary - May 2015. Collection method: clinical testing. Allele origin: germline.
Comment: Variant summary: KIF5A c.611G>A (p.Arg204Gln) results in a conservative amino acid change located in the Kinesin motor domain (IPR001752) of the encoded protein sequence. Switch 1 region spanning residues 199-204 is essential for phosphate binding (consensus sequence NXXSSR). Four of five in-silico tools predict a damaging effect of the variant on protein function. The variant was absent in 251400 control chromosomes. c.611G>A has been reported in the literature in multiple individuals affected with features of KIF5A-Related Disorders such as Herediatry Spastic Paraplegia type 10 (example, Goizet_2009, Crimella_2012). These data indicate that the variant is very likely to be associated with disease. At least one publication reports experimental evidence evaluating an impact on protein function (Jennings_2017). The most pronounced variant effect results in <10% of normal mictotubule-stimulated ATPase activity and reduced microtubule affinity. Four clinical diagnostic laboratories have submitted clinical-significance assessments for this variant to ClinVar after 2014 without evidence for independent evaluation. All laboratories classified the variant as pathogenic/likely pathogenic. Based on the evidence outlined above, the variant was classified as pathogenic.

3billion
Classification: Pathogenic for Hereditary spastic paraplegia 10. Last evaluated: 2022-01-03. Review status: criteria provided, single submitter. Criteria: ACMG Guidelines, 2015. Collection method: clinical testing. Allele origin: germline. Affected: yes. Observed: 1 heterozygote.
Comment: Same nucleotide change resulting in same amino acid change has been previously reported as pathogenic/likely pathogenic with strong evidence (ClinVar ID: VCV000037129, PMID:18853458, PS1_S). The variant has been observed in multiple (>3) similarly affected unrelated individuals(PMID: 21623771, 18853458, 25008398, 26543653, 24731568, PS4_S). The variant is located in a well-established functional domain or exonic hotspot, where pathogenic variants have frequently reported (PM1_M). A different missense change at the same codon has been reported as pathogenic/likely pathogenic with strong evidence (ClinVar ID: VCV000424651, PMID:18500496, PM5_M). In silico tool predictions suggest damaging effect of the variant on gene or gene product (REVEL: 0.924, 3CNET: 0.998, PP3_P). A missense variant is a common mechanism associated with Spastic paraplegia 10 (PP2_P). It is not observed in the gnomAD v2.1.1 dataset (PM2_M). Therefore, this variant is classified as pathogenic according to the recommendation of ACMG/AMP guideline.

Institute of Medical Genetics and Applied Genomics, University Hospital Tübingen
Classification: Pathogenic. Last evaluated: 2021-09-15. Review status: criteria provided, single submitter. Criteria: ACMG Guidelines, 2015. Collection method: clinical testing. Allele origin: germline. Inheritance: Autosomal dominant inheritance. Affected: yes.

Centre for Mendelian Genomics, University Medical Centre Ljubljana
Classification: Likely pathogenic for Myoclonus, intractable, neonatal. Last evaluated: 2019-09-30. Review status: criteria provided, single submitter. Criteria: ACMG Guidelines, 2015. Collection method: clinical testing. Allele origin: unknown. Affected: yes.
Comment: This variant was classified as: Likely pathogenic. The following ACMG criteria were applied in classifying this variant: PM1,PM2,PM5,PP3,PP5.

Paris Brain Institute, Inserm - ICM
Classification: Pathogenic for Hereditary spastic paraplegia 10. Review status: criteria provided, single submitter. Criteria: ACMG Guidelines, 2015. Collection method: clinical testing. Allele origin: unknown. Affected: yes. Observed: 1 variant allele.

PreventionGenetics, part of Exact Sciences
Classification: Pathogenic for KIF5A-related condition. Last evaluated: 2023-12-20. Review status: no assertion criteria provided. Collection method: clinical testing. Allele origin: germline. Not counted in ClinVar's aggregate classification.
Comment: The KIF5A c.611G>A variant is predicted to result in the amino acid substitution p.Arg204Gln. This variant has been reported in several individuals with spastic paraplegia (see for example, Goizet et al. 2009. PubMed ID: 18853458; Crimella et al. 2011. PubMed ID: 21623771; Jerath et al. 2015. PubMed ID: 26543653; Lee et al. 2020. PubMed ID: 32319259). This variant has not been reported in a large population database, indicating this variant is rare. Alternate nucleotide substitutions affecting the same amino acid (p.Arg204Pro and p.Arg204Trp), have also been reported in individuals with spastic paraplegia (Dufke et al. 2012. PubMed ID: 22552817; Liu et al. 2014. PubMed ID: 25008398; Human Gene Mutation Database. In summary, The c.611G>A (p.Arg204Gln) variant is interpreted as pathogenic.

Solve-RD Consortium
Classification: Likely pathogenic for Myoclonus, intractable, neonatal. Last evaluated: 2022-06-01. Review status: no assertion criteria provided. Collection method: provider interpretation. Allele origin: inherited. Affected: yes. Not counted in ClinVar's aggregate classification.
Comment: Variant confirmed as disease-causing by referring clinical team

Variant identified during reanalysis of unsolved cases by the Solve-RD project. The Solve-RD project has received funding from the European Union’s Horizon 2020 research and innovation programme under grant agreement No 779257.

OMIM
Classification: Pathogenic for SPASTIC PARAPLEGIA 10 WITH PERIPHERAL NEUROPATHY. Last evaluated: 2014-08-12. Review status: no assertion criteria provided. Collection method: literature only. Allele origin: germline. Not counted in ClinVar's aggregate classification.

Clinical Genetics, Academic Medical Center
Classification: Pathogenic. Review status: no assertion criteria provided. Collection method: clinical testing. Allele origin: germline. Affected: yes. Study: VKGL Data-share Consensus. Not counted in ClinVar's aggregate classification.

Joint Genome Diagnostic Labs from Nijmegen and Maastricht, Radboudumc and MUMC+
Classification: Likely pathogenic. Review status: no assertion criteria provided. Collection method: clinical testing. Allele origin: germline. Affected: yes. Study: VKGL Data-share Consensus. Not counted in ClinVar's aggregate classification.

Literature cited by the submitters: PubMed 18853458 (cited by 5 submitters); PubMed 21623771 (cited by 4 submitters); PubMed 24731568 (cited by Labcorp Genetics (formerly Invitae), Labcorp and 3billion); PubMed 25008398 (cited by 4 submitters); PubMed 26543653 (cited by 3 submitters); PubMed 18500496 (cited by Labcorp Genetics (formerly Invitae), Labcorp and 3billion); PubMed 22552817 (cited by Labcorp Genetics (formerly Invitae), Labcorp); PubMed 28678816 (cited by Women's Health and Genetics/Laboratory Corporation of America, LabCorp); PubMed 39825153 (cited by Solve-RD Consortium).